The following is an entry in ClinVar:

ClinVar aggregate classification (germline): Conflicting classifications of pathogenicity. Review status: criteria provided, conflicting classifications (1 of 4 stars). 3 submissions from 3 submitters: Uncertain significance (2); Likely benign (1). Last evaluated 2025-11-06.

Conditions:
Inborn genetic diseases. Identifiers: MedGen C0950123, MeSH D030342.
Malignant hyperthermia, susceptibility to, 5 (MHS5). Also called: CACNA1S-Related Malignant Hyperthermia Susceptibility. Identifiers: Orphanet 423, MedGen C1866077, MONDO:0011163, OMIM 601887.
Hypokalemic periodic paralysis, type 1. Also called: Hypokalemic Periodic Paralysis Type 1 (AD); HypoPP. Identifiers: Orphanet 681, MedGen C3714580, MONDO:0042979, OMIM 170400.

Allele frequency attached by ClinVar (database versions not stated): gnomAD 0.00001; gnomAD exomes 0.00001; TOPMed 0.00002.
gnomAD v4.1: 9 of 1,613,788 alleles (0.00056%); highest among the groups gnomAD compares: East Asian, 0.02%; no homozygotes.

Submissions (3):

Labcorp Genetics (formerly Invitae), Labcorp
Classification: Likely benign for Hypokalemic periodic paralysis, type 1; Malignant hyperthermia, susceptibility to, 5. Last evaluated: 2025-11-06. Review status: criteria provided, single submitter. Criteria: Invitae Variant Classification Sherloc (09022015). Collection method: clinical testing. Allele origin: germline.

Color Diagnostics, LLC DBA Color Health
Classification: Uncertain significance for Malignant hyperthermia, susceptibility to, 5. Last evaluated: 2024-04-17. Review status: criteria provided, single submitter. Criteria: ACMG Guidelines, 2015. Collection method: clinical testing. Allele origin: germline.
Comment: This missense variant replaces proline with alanine at codon 1707 of the CACNA1S protein. Computational prediction suggests that this variant may not impact protein structure and function. To our knowledge, functional studies have not been reported for this variant. This variant has not been reported in individuals affected with CACNA1S-related disorders in the literature. This variant has been identified in 4/251096 chromosomes in the general population by the Genome Aggregation Database (gnomAD). The available evidence is insufficient to determine the role of this variant in disease conclusively. Therefore, this variant is classified as a Variant of Uncertain Significance.

Ambry Genetics
Classification: Uncertain significance for Inborn genetic diseases. Last evaluated: 2023-05-09. Review status: criteria provided, single submitter. Criteria: Ambry Variant Classification Scheme 2023. Collection method: clinical testing. Allele origin: germline.

NM_000069.3(CACNA1S):c.5119C>G (p.Pro1707Ala)

Gene: CACNA1S (calcium voltage-gated channel subunit alpha1 S; minus strand). Cytogenetic location: 1q32.1.
Variant type: single nucleotide variant.
Coding change: c.5119C>G on transcript NM_000069.3 (MANE Select); coding-DNA position 5119, C replaced by G.
Protein change: p.Pro1707Ala; replaces proline 1707 with alanine.
Molecular consequence: missense variant.
Genome position (GRCh38, 1-based): chr1:201,041,519, G>C on the plus strand (C>G on the coding strand, the complement: CACNA1S is on the minus strand). VCF-style: chr1-201041519-G-C. GRCh37 (hg19) VCF-style: chr1-201010647-G-C.
Other names: short protein forms P1707A.
Identifiers: ClinVar variation 2545877 (VCV002545877.4), dbSNP rs1426011893, ClinGen allele CA344132867.